The following is an entry in ClinVar:

ClinVar aggregate classification (germline): Uncertain significance (1 of 4 stars; one submission).

Submission:

Labcorp Genetics (formerly Invitae), Labcorp
Classification: Uncertain significance. Last evaluated: 2025-12-24. Review status: criteria provided, single submitter. Criteria: Invitae Variant Classification Sherloc (09022015). Collection method: clinical testing. Allele origin: germline.
Comment: This sequence change replaces serine, which is neutral and polar, with alanine, which is neutral and non-polar, at codon 202 of the TBX20 protein (p.Ser202Ala). This variant is not present in population databases (gnomAD no frequency). This variant has not been reported in the literature in individuals affected with TBX20-related conditions. Invitae Evidence Modeling of protein sequence and biophysical properties (such as structural, functional, and spatial information, amino acid conservation, physicochemical variation, residue mobility, and thermodynamic stability) indicates that this missense variant is expected to disrupt TBX20 protein function with a positive predictive value of 80%. In summary, the available evidence is currently insufficient to determine the role of this variant in disease. Therefore, it has been classified as a Variant of Uncertain Significance.

NM_001077653.2(TBX20):c.604T>G (p.Ser202Ala)

Gene: TBX20 (T-box transcription factor 20; minus strand). Cytogenetic location: 7p14.2.
Variant type: single nucleotide variant.
Coding change: c.604T>G on transcript NM_001077653.2 (MANE Select); coding-DNA position 604, T replaced by G.
Protein change: p.Ser202Ala; replaces serine 202 with alanine.
Molecular consequence: missense variant.
Genome position (GRCh38, 1-based): chr7:35,244,999, A>C on the plus strand (T>G on the coding strand, the complement: TBX20 is on the minus strand). VCF-style: chr7-35244999-A-C. GRCh37 (hg19) VCF-style: chr7-35284611-A-C.
Other names: c.604T>G, p.Ser202Ala (NM_001166220.1); short protein forms S202A.
Identifiers: ClinVar variation 4744310 (VCV004744310.1).
Genomic context (GRCh38, chr7:35,244,999, plus strand): 5'-TGGTACTTACATGGCCATGTTGATCCAGTTCATTGTTGGTGAGTTTCACCTTTTCAAAAG[A>C]CACCATCTGTTTGAGTAGTTGCTCACCGGTAAAAGGAGAATCTGGATGCACATAGAGCCT-3'
Protein context (NP_001071121.1, residues 192-212): TGEQLLKQMV[Ser202Ala]FEKVKLTNNE